The following is an entry in ClinVar:

NM_001242680.2(ZNF729):c.3474A>G (p.Lys1158=)

Gene: ZNF729 (zinc finger protein 729; plus strand). Cytogenetic location: 19p12.
Variant type: single nucleotide variant.
Coding change: c.3474A>G on transcript NM_001242680.2 (MANE Select); coding-DNA position 3474, A replaced by G.
Protein change: p.Lys1158=; no amino-acid change (lysine 1158 retained).
Molecular consequence: synonymous variant.
Genome position (GRCh38, 1-based): chr19:22,316,891, A>G. VCF-style: chr19-22316891-A-G. GRCh37 (hg19) VCF-style: chr19-22499693-A-G.
Identifiers: ClinVar variation 2649647 (VCV002649647.24), dbSNP rs534606264, ClinGen allele CA9344182.

ClinVar aggregate classification (germline): Likely benign (1 of 4 stars; one submission).

Allele frequency attached by ClinVar (database versions not stated): 1000 Genomes Project 0.00040; ExAC 0.00044; 1000 Genomes Project 30x 0.00047; gnomAD 0.00081; TOPMed 0.00104; gnomAD exomes 0.00114.
gnomAD v4.1: 1,794 of 1,613,072 alleles (0.11%); highest among the groups gnomAD compares: Admixed American, 0.16%; 2 homozygotes.

Submission:

CeGaT Center for Human Genetics Tuebingen
Classification: Likely benign. Last evaluated: 2022-06-01. Review status: criteria provided, single submitter. Criteria: CeGaT Center For Human Genetics Tuebingen Variant Classification Criteria Version 2. Collection method: clinical testing. Allele origin: germline. Affected: yes. Observed: 1 variant allele.
Comment: ZNF729: BP4, BP7